The following is an entry in ClinVar:

NM_012079.6(DGAT1):c.1337G>T (p.Arg446Leu)

Gene: DGAT1 (diacylglycerol O-acyltransferase 1; minus strand). Cytogenetic location: 8q24.3.
Variant type: single nucleotide variant.
Coding change: c.1337G>T on transcript NM_012079.6 (MANE Select); coding-DNA position 1337, G replaced by T.
Protein change: p.Arg446Leu; replaces arginine 446 with leucine.
Molecular consequence: missense variant.
Genome position (GRCh38, 1-based): chr8:144,316,684, C>A on the plus strand (G>T on the coding strand, the complement: DGAT1 is on the minus strand). VCF-style: chr8-144316684-C-A. GRCh37 (hg19) VCF-style: chr8-145540347-C-A.
Other names: short protein forms R446L.
Identifiers: ClinVar variation 4705615 (VCV004705615.1).

ClinVar aggregate classification (germline): Uncertain significance (1 of 4 stars; one submission).

gnomAD v4.1: 90 of 1,611,900 alleles (0.0056%); highest among the groups gnomAD compares: Middle Eastern, 0.017%; no homozygotes.

Submission:

Labcorp Genetics (formerly Invitae), Labcorp
Classification: Uncertain significance. Last evaluated: 2025-04-08. Review status: criteria provided, single submitter. Criteria: Invitae Variant Classification Sherloc (09022015). Collection method: clinical testing. Allele origin: germline.
Comment: This sequence change replaces arginine, which is basic and polar, with leucine, which is neutral and non-polar, at codon 446 of the DGAT1 protein (p.Arg446Leu). This variant is present in population databases (rs782420067, gnomAD 0.005%). This variant has not been reported in the literature in individuals affected with DGAT1-related conditions. Invitae Evidence Modeling of protein sequence and biophysical properties (such as structural, functional, and spatial information, amino acid conservation, physicochemical variation, residue mobility, and thermodynamic stability) indicates that this missense variant is not expected to disrupt DGAT1 protein function with a negative predictive value of 80%. Algorithms developed to predict the effect of sequence changes on RNA splicing suggest that this variant may disrupt the consensus splice site. In summary, the available evidence is currently insufficient to determine the role of this variant in disease. Therefore, it has been classified as a Variant of Uncertain Significance.